The following is an entry in ClinVar:

ClinVar aggregate classification (germline): Likely benign (1 of 4 stars; one submission).

Allele frequency attached by ClinVar (database versions not stated): ExAC 0.00001; gnomAD exomes 0.00001; TOPMed 0.00001; gnomAD 0.00002.

Submission:

CeGaT Center for Human Genetics Tuebingen
Classification: Likely benign. Last evaluated: 2022-04-01. Review status: criteria provided, single submitter. Criteria: CeGaT Center For Human Genetics Tuebingen Variant Classification Criteria Version 2. Collection method: clinical testing. Allele origin: germline. Affected: yes. Observed: 1 variant allele.
Comment: MAN2A2: BP4, BP7

NM_006122.4(MAN2A2):c.1269T>G (p.Leu423=)

Gene: MAN2A2 (mannosidase alpha class 2A member 2; plus strand). Cytogenetic location: 15q26.1.
Variant type: single nucleotide variant.
Coding change: c.1269T>G on transcript NM_006122.4 (MANE Select); coding-DNA position 1269, T replaced by G.
Protein change: p.Leu423=; no amino-acid change (leucine 423 retained).
Molecular consequence: synonymous variant. On other transcripts: non-coding transcript variant (3).
Genome position (GRCh38, 1-based): chr15:90,909,399, T>G. VCF-style: chr15-90909399-T-G. GRCh37 (hg19) VCF-style: chr15-91452629-T-G.
Other names: c.1269T>G, p.Leu423= (NM_001320977.2).
Identifiers: ClinVar variation 2645715 (VCV002645715.24), dbSNP rs760909612, ClinGen allele CA7741377.